The following is an entry in ClinVar:

NM_001388492.1(HTT):c.1441T>G (p.Ser481Ala)

Gene: HTT (huntingtin; plus strand). Cytogenetic location: 4p16.3.
Variant type: single nucleotide variant.
Coding change: c.1441T>G on transcript NM_001388492.1 (MANE Select); coding-DNA position 1441, T replaced by G.
Protein change: p.Ser481Ala; replaces serine 481 with alanine.
Molecular consequence: missense variant.
Genome position (GRCh38, 1-based): chr4:3,127,302, T>G. VCF-style: chr4-3127302-T-G. GRCh37 (hg19) VCF-style: chr4-3129029-T-G.
Other names: c.1447T>G, p.Ser483Ala (NM_002111.8); short protein forms S481A, S483A.
Identifiers: ClinVar variation 1350975 (VCV001350975.6), dbSNP rs761970709, ClinGen allele CA2823558.

ClinVar aggregate classification (germline): Uncertain significance (1 of 4 stars; one submission).

Allele frequency attached by ClinVar (database versions not stated): gnomAD 0.00001; gnomAD exomes 0.00001 and 0.00005; TOPMed 0.00002; ExAC 0.00007.
gnomAD v4.1: 24 of 1,614,084 alleles (0.0015%); highest among the groups gnomAD compares: African/African-American, 0.0027%; no homozygotes.

Submission:

Labcorp Genetics (formerly Invitae), Labcorp
Classification: Uncertain significance. Last evaluated: 2021-03-09. Review status: criteria provided, single submitter. Criteria: Invitae Variant Classification Sherloc (09022015). Collection method: clinical testing. Allele origin: germline.
Comment: In summary, the available evidence is currently insufficient to determine the role of this variant in disease. Therefore, it has been classified as a Variant of Uncertain Significance. Experimental studies and prediction algorithms are not available or were not evaluated, and the functional significance of this variant is currently unknown. This variant has not been reported in the literature in individuals with HTT-related conditions. This variant is present in population databases (rs761970709, ExAC 0.05%). This sequence change replaces serine with alanine at codon 483 of the HTT protein (p.Ser483Ala). The serine residue is moderately conserved and there is a moderate physicochemical difference between serine and alanine.